The following is an entry in ClinVar:

ClinVar aggregate classification (germline): Uncertain significance. Review status: criteria provided, single submitter (1 of 4 stars). 2 submissions from 2 submitters: Uncertain significance (1). 1 of the submissions does not count toward it. Last evaluated 2022-09-21.

Conditions:
NTRK2-related disorder. Also called: NTRK2-related condition.

Allele frequency attached by ClinVar (database versions not stated): ExAC 0.00001; gnomAD 0.00001; TOPMed 0.00001; gnomAD exomes 0.00002.
gnomAD v4.1: 28 of 1,613,930 alleles (0.0017%); highest among the groups gnomAD compares: Non-Finnish European, 0.0023%; no homozygotes.

Submissions (2):

Labcorp Genetics (formerly Invitae), Labcorp
Classification: Uncertain significance. Last evaluated: 2022-09-21. Review status: criteria provided, single submitter. Criteria: Invitae Variant Classification Sherloc (09022015). Collection method: clinical testing. Allele origin: germline.
Comment: This variant has not been reported in the literature in individuals affected with NTRK2-related conditions. This sequence change replaces lysine, which is basic and polar, with arginine, which is basic and polar, at codon 618 of the NTRK2 protein (p.Lys618Arg). This variant is present in population databases (rs202136187, gnomAD 0.003%). Algorithms developed to predict the effect of missense changes on protein structure and function are either unavailable or do not agree on the potential impact of this missense change (SIFT: "Tolerated"; PolyPhen-2: "Possibly Damaging"; Align-GVGD: "Class C0"). In summary, the available evidence is currently insufficient to determine the role of this variant in disease. Therefore, it has been classified as a Variant of Uncertain Significance.

PreventionGenetics, part of Exact Sciences
Classification: Uncertain significance for NTRK2-related condition. Last evaluated: 2024-05-13. Review status: no assertion criteria provided. Collection method: clinical testing. Allele origin: germline. Not counted in ClinVar's aggregate classification.
Comment: The NTRK2 c.1853A>G variant is predicted to result in the amino acid substitution p.Lys618Arg. To our knowledge, this variant has not been reported in the literature. This variant is reported in 0.0026% of alleles in individuals of European (Non-Finnish) descent in gnomAD. At this time, the clinical significance of this variant is uncertain due to the absence of conclusive functional and genetic evidence.

NM_006180.6(NTRK2):c.1853A>G (p.Lys618Arg)

Gene: NTRK2 (neurotrophic receptor tyrosine kinase 2; plus strand). Cytogenetic location: 9q21.33.
Variant type: single nucleotide variant.
Coding change: c.1853A>G on transcript NM_006180.6 (MANE Select); coding-DNA position 1853, A replaced by G.
Protein change: p.Lys618Arg; replaces lysine 618 with arginine.
Molecular consequence: missense variant.
Genome position (GRCh38, 1-based): chr9:84,948,550, A>G. VCF-style: chr9-84948550-A-G. GRCh37 (hg19) VCF-style: chr9-87563465-A-G.
Other names: c.1805A>G, p.Lys602Arg (NM_001018064.3, NM_001369532.1, NM_001369533.1); c.1769A>G, p.Lys590Arg (NM_001369534.1); c.1337A>G, p.Lys446Arg (NM_001369535.1); c.1385A>G, p.Lys462Arg (NM_001369536.1); c.1853A>G, p.Lys618Arg (NM_001381928.1); c.1853A>G (NM_006180.4); short protein forms K590R, K602R, K462R, K618R, K446R.
Identifiers: ClinVar variation 1951635 (VCV001951635.6), dbSNP rs202136187, ClinGen allele CA5105854.
Genomic context (GRCh38, chr9:84,948,550, plus strand): 5'-GCAAGGACTTCCACCGTGAGGCCGAGCTCCTGACCAACCTCCAGCATGAGCACATCGTCA[A>G]GTTCTATGGCGTCTGCGTGGAGGGCGACCCCCTCATCATGGTCTTTGAGTACATGAAGCA-3'
Protein context (NP_006171.2, residues 608-628): LTNLQHEHIV[Lys618Arg]FYGVCVEGDP